The following is an entry in ClinVar:

ClinVar aggregate classification (germline): Uncertain significance (1 of 4 stars; one submission).

Conditions:
Hypercholesterolemia, autosomal dominant, 3 (FHCL3). Also called: PCSK9-Related Familial Hypercholesterolemia, Autosomal Dominant; Familial hypercholesterolemia 3; Familial Hypercholesterolemia, Autosomal Dominant, 3. Identifiers: MedGen C1863551, MONDO:0011369, OMIM 603776.

Submission:

Labcorp Genetics (formerly Invitae), Labcorp
Classification: Uncertain significance for Hypercholesterolemia, autosomal dominant, 3. Last evaluated: 2021-09-06. Review status: criteria provided, single submitter. Criteria: Invitae Variant Classification Sherloc (09022015). Collection method: clinical testing. Allele origin: germline.
Comment: This sequence change replaces alanine with valine at codon 68 of the PCSK9 protein (p.Ala68Val). The alanine residue is weakly conserved and there is a small physicochemical difference between alanine and valine. This variant is not present in population databases (ExAC no frequency). This variant has not been reported in the literature in individuals affected with PCSK9-related conditions. Advanced modeling of protein sequence and biophysical properties (such as structural, functional, and spatial information, amino acid conservation, physicochemical variation, residue mobility, and thermodynamic stability) performed at Invitae indicates that this missense variant is not expected to disrupt PCSK9 protein function. In summary, the available evidence is currently insufficient to determine the role of this variant in disease. Therefore, it has been classified as a Variant of Uncertain Significance.

NM_174936.4(PCSK9):c.203C>T (p.Ala68Val)

Gene: PCSK9 (proprotein convertase subtilisin/kexin type 9; plus strand). Cytogenetic location: 1p32.3.
Variant type: single nucleotide variant.
Coding change: c.203C>T on transcript NM_174936.4 (MANE Select); coding-DNA position 203, C replaced by T.
Protein change: p.Ala68Val; replaces alanine 68 with valine.
Molecular consequence: missense variant.
Genome position (GRCh38, 1-based): chr1:55,040,040, C>T. VCF-style: chr1-55040040-C-T. GRCh37 (hg19) VCF-style: chr1-55505713-C-T.
Other names: short protein forms A68V.
Identifiers: ClinVar variation 1346319 (VCV001346319.3), dbSNP rs2100253083, ClinGen allele CA340483252.